The following is an entry in ClinVar:

NM_016203.4(PRKAG2):c.187-4G>A

Gene: PRKAG2 (protein kinase AMP-activated non-catalytic subunit gamma 2; minus strand). Cytogenetic location: 7q36.1.
Variant type: single nucleotide variant.
Coding change: c.187-4G>A on transcript NM_016203.4 (MANE Select); 4 bases into the intron before coding-DNA position 187, G replaced by A.
Molecular consequence: intron variant.
Genome position (GRCh38, 1-based): chr7:151,781,435, C>T on the plus strand (G>A on the coding strand, the complement: PRKAG2 is on the minus strand). VCF-style: chr7-151781435-C-T. GRCh37 (hg19) VCF-style: chr7-151478521-C-T.
Other names: c.55-4G>A (NM_001040633.2).
Identifiers: ClinVar variation 750535 (VCV000750535.18), dbSNP rs752294420, ClinGen allele CA056402.

ClinVar aggregate classification (germline): Likely benign. Review status: criteria provided, multiple submitters, no conflicts (2 of 4 stars). 5 submissions from 5 submitters: Likely benign (5). Last evaluated 2025-11-19.

Conditions:
Lethal congenital glycogen storage disease of heart. Also called: GLYCOGEN STORAGE DISEASE OF HEART; PHOSPHORYLASE KINASE DEFICIENCY OF HEART. Identifiers: Orphanet 439854, MedGen C1849813, MONDO:0009867, OMIM 261740.
Hypertrophic cardiomyopathy. Also called: HYPERTROPHIC MYOCARDIOPATHY. Identifiers: Orphanet 217569, MedGen C0007194, MeSH D002312, MONDO:0005045, HP:0001639.
Cardiovascular phenotype. Identifiers: MedGen CN230736.
Cardiomyopathy (CMYO). Also called: Cardiomyopathies. Identifiers: Orphanet 167848, MedGen C0878544, MONDO:0004994, HP:0001638. Inheritance: Various modes of inheritance.

Allele frequency attached by ClinVar (database versions not stated): gnomAD exomes 0.00001 and 0.00002; ExAC 0.00002; TOPMed 0.00002; gnomAD 0.00009.
gnomAD v4.1: 34 of 1,601,312 alleles (0.0021%); highest among the groups gnomAD compares: Non-Finnish European, 0.0025%; no homozygotes.

Submissions (5):

Ambry Genetics
Classification: Likely benign for Cardiovascular phenotype. Last evaluated: 2025-11-19. Review status: criteria provided, single submitter. Criteria: Ambry Variant Classification Scheme 2023. Collection method: clinical testing. Allele origin: germline.

Labcorp Genetics (formerly Invitae), Labcorp
Classification: Likely benign for Lethal congenital glycogen storage disease of heart. Last evaluated: 2025-11-09. Review status: criteria provided, single submitter. Criteria: Invitae Variant Classification Sherloc (09022015). Collection method: clinical testing. Allele origin: germline.

All of Us Research Program, National Institutes of Health
Classification: Likely benign for Hypertrophic cardiomyopathy. Last evaluated: 2024-05-09. Review status: criteria provided, single submitter. Criteria: ACMG Guidelines, 2015. Collection method: clinical testing. Allele origin: germline. Inheritance: Autosomal dominant inheritance. Observed: 7 variant alleles, 7 heterozygotes.
Comment: This study involves interpretation of variants in research participants for the purpose of population health screening. Participant phenotype was not available at the time of variant classification. Additional details can be found in publication PMID: 35346344, PMCID: PMC8962531

Blueprint Genetics
Classification: Likely benign. Last evaluated: 2024-04-26. Review status: criteria provided, single submitter. Criteria: ACMG Guidelines, 2015. Collection method: clinical testing. Allele origin: germline.

Color Diagnostics, LLC DBA Color Health
Classification: Likely benign for Cardiomyopathy. Last evaluated: 2019-05-20. Review status: criteria provided, single submitter. Criteria: ACMG Guidelines, 2015. Collection method: clinical testing. Allele origin: germline.